The following is an entry in ClinVar:

NM_000070.3(CAPN3):c.1915-127C>T

Gene: CAPN3 (calpain 3; plus strand). Cytogenetic location: 15q15.1.
Variant type: single nucleotide variant.
Coding change: c.1915-127C>T on transcript NM_000070.3 (MANE Select); 127 bases into the intron before coding-DNA position 1915, C replaced by T.
Molecular consequence: intron variant.
Genome position (GRCh38, 1-based): chr15:42,409,176, C>T. VCF-style: chr15-42409176-C-T. GRCh37 (hg19) VCF-style: chr15-42701374-C-T.
Other names: c.1897-127C>T (NM_024344.2); c.1639-127C>T (NM_173087.2); c.379-127C>T (NM_173088.2); c.-81-127C>T (NM_173090.2, NM_173089.2).
Identifiers: ClinVar variation 680214 (VCV000680214.2), dbSNP rs28364531, ClinGen allele CA269851629.

ClinVar aggregate classification (germline): Likely benign. Review status: criteria provided, multiple submitters, no conflicts (2 of 4 stars). 2 submissions from 2 submitters: Likely benign (2). Last evaluated 2018-06-16.

Allele frequency attached by ClinVar (database versions not stated): 1000 Genomes Project 0.01298; 1000 Genomes Project 30x 0.01327; gnomAD 0.01353 and 0.01403; TOPMed 0.01619.
gnomAD v4.1: 12,145 of 786,302 alleles (1.5%); highest among the groups gnomAD compares: Admixed American, 2.5%; 147 homozygotes.

Submissions (2):

GeneDx
Classification: Likely benign. Last evaluated: 2018-06-16. Review status: criteria provided, single submitter. Criteria: GeneDx Variant Classification (06012015). Collection method: clinical testing. Allele origin: germline. Affected: yes.
Comment: This variant is considered likely benign or benign based on one or more of the following criteria: it is a conservative change, it occurs at a poorly conserved position in the protein, it is predicted to be benign by multiple in silico algorithms, and/or has population frequency not consistent with disease.

Breakthrough Genomics
Classification: Likely benign. Review status: criteria provided, single submitter. Criteria: ACMG Guidelines, 2015. Collection method: not provided. Allele origin: germline. Inheritance: Autosomal recessive inheritance. Affected: yes.